The following is an entry in ClinVar:

ClinVar aggregate classification (germline): Uncertain significance (1 of 4 stars; one submission).

Conditions:
Koolen-de Vries syndrome (KDVS). Identifiers: Orphanet 96169, MedGen C1864871, MONDO:0012496, OMIM 610443.

Submission:

Labcorp Genetics (formerly Invitae), Labcorp
Classification: Uncertain significance for Koolen-de Vries syndrome. Last evaluated: 2024-05-31. Review status: criteria provided, single submitter. Criteria: Invitae Variant Classification Sherloc (09022015). Collection method: clinical testing. Allele origin: germline.
Comment: This sequence change results in a frameshift in the KANSL1 gene (p.Ala1079Serfs*39). While this is not anticipated to result in nonsense mediated decay, it is expected to disrupt the last 27 amino acid(s) of the KANSL1 protein and extend the protein by 11 additional amino acid residues. This variant is not present in population databases (gnomAD no frequency). This variant has not been reported in the literature in individuals affected with KANSL1-related conditions. Experimental studies and prediction algorithms are not available or were not evaluated, and the functional significance of this variant is currently unknown. Algorithms developed to predict the effect of sequence changes on RNA splicing suggest that this variant may create or strengthen a splice site. In summary, the available evidence is currently insufficient to determine the role of this variant in disease. Therefore, it has been classified as a Variant of Uncertain Significance.

NM_015443.4(KANSL1):c.3234dup (p.Ala1079fs)

Gene: KANSL1 (KAT8 regulatory NSL complex subunit 1). Cytogenetic location: 17q21.31.
Variant type: Duplication.
Coding change: c.3234dup on transcript NM_015443.4 (MANE Select); coding-DNA position 3234, one base duplicated.
Protein change: p.Ala1079fs; shifts the reading frame from alanine 1079.
Molecular consequence: frameshift variant.
Genome position: GRCh38 VCF-style: chr17-46031559-C-CT. GRCh37 (hg19) VCF-style: chr17-44108925-C-CT.
Other names: c.3231dup, p.Ala1078fs (NM_001193465.2, NM_001405856.1, NM_001405857.1 and 1 more transcripts); c.3234dup, p.Ala1079fs (NM_001193466.2, NM_001379198.1, NM_001405854.1 and 1 more transcripts); c.3132dup, p.Ala1045fs (NM_001405859.1, NM_001405860.1); c.3129dup, p.Ala1044fs (NM_001405861.1); c.3102dup, p.Ala1035fs (NM_001405872.1, NM_001405873.1, NM_001405874.1); c.3045dup, p.Ala1016fs (NM_001405875.1, NM_001405876.1, NM_001405877.1 and 1 more transcripts); c.3042dup, p.Ala1015fs (NM_001405879.1, NM_001405880.1); c.2997dup, p.Ala1000fs (NM_001405881.1); and 4 more; short protein forms A1078fs, A1079fs, A1015fs, A1035fs, A1000fs, A1016fs, A593fs, A657fs.
Identifiers: ClinVar variation 3655115 (VCV003655115.2).